The following is an entry in ClinVar:

ClinVar aggregate classification (germline): Conflicting classifications of pathogenicity. Review status: criteria provided, conflicting classifications (1 of 4 stars). 6 submissions from 6 submitters: Uncertain significance (2); Likely benign (3). 1 of the submissions does not count toward it. Last evaluated 2026-01-18.

Conditions:
Autosomal recessive nonsyndromic hearing loss 77. Identifiers: Orphanet 90636, MedGen C2746083, MONDO:0013119, OMIM 613079.

Allele frequency attached by ClinVar (database versions not stated): gnomAD exomes 0.00020 and 0.00021; TOPMed 0.00022; gnomAD 0.00023 and 0.00026; ExAC 0.00032.
gnomAD v4.1: 316 of 1,551,564 alleles (0.02%); highest among the groups gnomAD compares: Non-Finnish European, 0.026%; 1 homozygote.

Submissions (6):

Labcorp Genetics (formerly Invitae), Labcorp
Classification: Likely benign. Last evaluated: 2026-01-18. Review status: criteria provided, single submitter. Criteria: Invitae Variant Classification Sherloc (09022015). Collection method: clinical testing. Allele origin: germline.

Blueprint Genetics
Classification: Likely benign. Last evaluated: 2024-11-27. Review status: criteria provided, single submitter. Criteria: ACMG Guidelines, 2015. Collection method: clinical testing. Allele origin: germline.

CeGaT Center for Human Genetics Tuebingen
Classification: Likely benign. Last evaluated: 2024-02-01. Review status: criteria provided, single submitter. Criteria: CeGaT Center For Human Genetics Tuebingen Variant Classification Criteria Version 2. Collection method: clinical testing. Allele origin: germline. Affected: yes. Observed: 1 variant allele.
Comment: LOXHD1: BP4, BP7

Illumina Laboratory Services, Illumina
Classification: Uncertain significance for Autosomal recessive nonsyndromic hearing loss 77. Last evaluated: 2018-01-13. Review status: criteria provided, single submitter. Criteria: ICSL Variant Classification Criteria 13 December 2019. Collection method: clinical testing. Allele origin: germline.

Eurofins Ntd Llc (ga)
Classification: Uncertain significance. Last evaluated: 2016-07-13. Review status: criteria provided, single submitter. Criteria: EGL Classification Definitions 2015. Collection method: clinical testing. Allele origin: germline. Observed: 1 variant allele, 1 heterozygote.

Natera, Inc.
Classification: Likely benign for Autosomal recessive deafness type 77. Last evaluated: 2020-06-18. Review status: no assertion criteria provided. Collection method: clinical testing. Allele origin: germline. Not counted in ClinVar's aggregate classification.

NM_001384474.1(LOXHD1):c.231C>T (p.Leu77=)

Gene: LOXHD1 (lipoxygenase homology PLAT domains 1; minus strand). Cytogenetic location: 18q21.1.
Variant type: single nucleotide variant.
Coding change: c.231C>T on transcript NM_001384474.1 (MANE Select); coding-DNA position 231, C replaced by T.
Protein change: p.Leu77=; no amino-acid change (leucine 77 retained).
Molecular consequence: synonymous variant.
Genome position (GRCh38, 1-based): chr18:46,649,169, G>A on the plus strand (C>T on the coding strand, the complement: LOXHD1 is on the minus strand). VCF-style: chr18-46649169-G-A. GRCh37 (hg19) VCF-style: chr18-44229132-G-A.
Other names: c.231C>T, p.Leu77= (NM_144612.7).
Identifiers: ClinVar variation 288937 (VCV000288937.45), dbSNP rs200306249, ClinGen allele CA8952949.
Genomic context (GRCh38, chr18:46,649,169, plus strand): 5'-CAGGACTAATGGCCCAGGATCCCACCAAGGCCAAGTGGGTACTCACTTGCTGGTGAGCTG[G>A]AGCTTGGGAGAGAGCCCATTCTCTCCAAAAAGCGTGATGAAGACATTGGCATCCGTCCCT-3'
Protein context (NP_001371403.1, residues 67-87): LFGENGLSPK[Leu77=]QLTSKSKSAF